The following is an entry in ClinVar:

NM_005208.5(CRYBA1):c.500+1G>T

Gene: CRYBA1 (crystallin beta A1; plus strand). Cytogenetic location: 17q11.2.
Variant type: single nucleotide variant.
Coding change: c.500+1G>T on transcript NM_005208.5 (MANE Select); the canonical splice donor site of the intron after coding-DNA position 500, G replaced by T.
Molecular consequence: splice donor variant.
Genome position (GRCh38, 1-based): chr17:29,253,783, G>T. VCF-style: chr17-29253783-G-T. GRCh37 (hg19) VCF-style: chr17-27580801-G-T.
Identifiers: ClinVar variation 1334473 (VCV001334473.5), dbSNP rs775038545, ClinGen allele CA8473802.

ClinVar aggregate classification (germline): Conflicting classifications of pathogenicity. Review status: criteria provided, conflicting classifications (1 of 4 stars). 2 submissions from 2 submitters: Likely pathogenic (1); Uncertain significance (1). Last evaluated 2023-11-01.

Conditions:
Cataract 10 multiple types. Also called: CATARACT 10, CONGENITAL ZONULAR, WITH SUTURAL OPACITIES. Identifiers: Orphanet 91492, MedGen C1833229, MONDO:0010948, OMIM 600881.

Submissions (2):

Revvity Omics, Revvity
Classification: Likely pathogenic for Cataract 10 multiple types. Last evaluated: 2023-11-01. Review status: criteria provided, single submitter. Criteria: ACMG Guidelines, 2015. Collection method: clinical testing. Allele origin: germline.

Greenwood Genetic Center Diagnostic Laboratories, Greenwood Genetic Center
Classification: Uncertain significance for Cataract 10 multiple types. Last evaluated: 2021-05-25. Review status: criteria provided, single submitter. Criteria: ACMG Guidelines, 2015. Collection method: clinical testing. Allele origin: germline. Affected: yes.
Comment: PM2